The following is an entry in ClinVar:

ClinVar aggregate classification (germline): Uncertain significance. Review status: criteria provided, multiple submitters, no conflicts (2 of 4 stars). 3 submissions from 3 submitters: Uncertain significance (2). 1 of the submissions does not count toward it. Last evaluated 2023-03-07.

Conditions:
Cardiomyopathy (CMYO). Also called: Cardiomyopathies. Identifiers: Orphanet 167848, MedGen C0878544, MONDO:0004994, HP:0001638. Inheritance: Various modes of inheritance.
Duchenne muscular dystrophy (DMD). Also called: MUSCULAR DYSTROPHY, PSEUDOHYPERTROPHIC PROGRESSIVE, DUCHENNE TYPE; Duchenne Muscular Dystrophy (DMD). Identifiers: Orphanet 98896, MedGen C0013264, MONDO:0010679, OMIM 310200.
Becker muscular dystrophy (BMD). Also called: Becker Muscular Dystrophy (BMD); MUSCULAR DYSTROPHY, PSEUDOHYPERTROPHIC PROGRESSIVE, BECKER TYPE. Identifiers: Orphanet 98895, MedGen C0917713, MONDO:0010311, OMIM 300376.
Dystrophin deficiency.

Allele frequency attached by ClinVar (database versions not stated): gnomAD exomes 0.00001.

Submissions (3):

Labcorp Genetics (formerly Invitae), Labcorp
Classification: Uncertain significance for Duchenne muscular dystrophy. Last evaluated: 2023-03-07. Review status: criteria provided, single submitter. Criteria: Invitae Variant Classification Sherloc (09022015). Collection method: clinical testing. Allele origin: germline.
Comment: Advanced modeling of protein sequence and biophysical properties (such as structural, functional, and spatial information, amino acid conservation, physicochemical variation, residue mobility, and thermodynamic stability) performed at Invitae indicates that this missense variant is not expected to disrupt DMD protein function. In summary, the available evidence is currently insufficient to determine the role of this variant in disease. Therefore, it has been classified as a Variant of Uncertain Significance. This sequence change replaces valine, which is neutral and non-polar, with leucine, which is neutral and non-polar, at codon 1929 of the DMD protein (p.Val1929Leu). This variant is present in population databases (rs794729004, gnomAD 0.004%). This variant has not been reported in the literature in individuals affected with DMD-related conditions. ClinVar contains an entry for this variant (Variation ID: 201752).

GeneDx
Classification: Uncertain significance. Last evaluated: 2014-07-17. Review status: criteria provided, single submitter. Criteria: GeneDx Variant Classification (06012015). Collection method: clinical testing. Allele origin: germline. Affected: yes.
Comment: p.Val1929Leu (GTG>CTG): c.5785 G>C in exon 41 of the DMD gene (NM_004006.2). A variant of unknown significance has been identified in the DMD gene. The V1929L variant has not been published as a mutation, nor has it been reported as a benign polymorphism to our knowledge. The V1929L variant was not observed in approximately 6,500 individuals of European and African American ancestry in the NHLBI Exome Sequencing Project, indicating it is not a common benign variant in these populations. The V1929L variant is a conservative amino acid substitution, which is not likely to impact secondary protein structure as these residues share similar properties. This substitution occurs at a position that is conserved across species. In silico analysis is inconsistent in its predictions as to whether or not the variant is damaging to the protein structure/function. Moreover, no missense mutations in nearby residues have been reported in association with DMD/BMD, indicating that this region of the protein may be tolerant of change. Therefore, based on the currently available information, it is unclear whether this variant is a pathogenic mutation or a rare benign variant. The variant is found in CARDIOMYOPATHY panel(s).

Natera, Inc.
Classification: Uncertain significance for Becker muscular dystrophy; Cardiomyopathy; Duchenne muscular dystrophy; Dystrophin deficiency. Last evaluated: 2020-08-28. Review status: no assertion criteria provided. Collection method: clinical testing. Allele origin: germline. Not counted in ClinVar's aggregate classification.

NM_004006.3(DMD):c.5785G>C (p.Val1929Leu)

Gene: DMD (dystrophin; minus strand). Cytogenetic location: Xp21.1.
Variant type: single nucleotide variant.
Coding change: c.5785G>C on transcript NM_004006.3 (MANE Select); coding-DNA position 5785, G replaced by C.
Protein change: p.Val1929Leu; replaces valine 1929 with leucine.
Molecular consequence: missense variant.
Genome position (GRCh38, 1-based): chrX:32,342,237, C>G on the plus strand (G>C on the coding strand, the complement: DMD is on the minus strand). VCF-style: chrX-32342237-C-G. GRCh37 (hg19) VCF-style: chrX-32360354-C-G.
Other names: p.V1929L:GTG>CTG; c.5761G>C, p.Val1921Leu (NM_000109.4); c.5773G>C, p.Val1925Leu (NM_004009.3); c.5416G>C, p.Val1806Leu (NM_004010.3); c.1762G>C, p.Val588Leu (NM_004011.4); c.1753G>C, p.Val585Leu (NM_004012.4); short protein forms V1929L, V1925L, V585L, V588L, V1806L, V1921L.
Identifiers: ClinVar variation 201752 (VCV000201752.6), dbSNP rs794729004, ClinGen allele CA308403.
Genomic context (GRCh38, chrX:32,342,237, plus strand): 5'-GAGTTGGCTCCACTGCCATTGCGGCCCCATCCTCAGACAAGCCCTCAGCTTGCCTACGCA[C>G]TGCATTCAGCTCCTCTTTCTTCTTCTGCAATTCCCGATCAATTTCCTATTGAGCAAAACC-3'
Protein context (NP_003997.2, residues 1919-1939): LQKKKEELNA[Val1929Leu]RRQAEGLSED